The following is an entry in ClinVar:

ClinVar aggregate classification (germline): Uncertain significance (1 of 4 stars; one submission).

Allele frequency attached by ClinVar (database versions not stated): gnomAD 0.00002.
gnomAD v4.1: 4 of 1,613,954 alleles (0.00025%); highest among the groups gnomAD compares: African/African-American, 0.0027%; no homozygotes.

Submission:

Labcorp Genetics (formerly Invitae), Labcorp
Classification: Uncertain significance. Last evaluated: 2022-08-09. Review status: criteria provided, single submitter. Criteria: Invitae Variant Classification Sherloc (09022015). Collection method: clinical testing. Allele origin: germline.
Comment: In summary, the available evidence is currently insufficient to determine the role of this variant in disease. Therefore, it has been classified as a Variant of Uncertain Significance. This variant has not been reported in the literature in individuals affected with FAT2-related conditions. This variant is not present in population databases (gnomAD no frequency). This sequence change creates a premature translational stop signal (p.Arg961*) in the FAT2 gene. It is expected to result in an absent or disrupted protein product. However, the current clinical and genetic evidence is not sufficient to establish whether loss-of-function variants in FAT2 cause disease.

NM_001447.3(FAT2):c.2881C>T (p.Arg961Ter)

Gene: FAT2 (FAT atypical cadherin 2; minus strand). Cytogenetic location: 5q33.1.
Variant type: single nucleotide variant.
Coding change: c.2881C>T on transcript NM_001447.3 (MANE Select); coding-DNA position 2881, C replaced by T.
Protein change: p.Arg961Ter; replaces arginine 961 with a stop codon.
Molecular consequence: nonsense.
Genome position (GRCh38, 1-based): chr5:151,566,051, G>A on the plus strand (C>T on the coding strand, the complement: FAT2 is on the minus strand). VCF-style: chr5-151566051-G-A. GRCh37 (hg19) VCF-style: chr5-150945612-G-A.
Other names: short protein forms R961*.
Identifiers: ClinVar variation 2095655 (VCV002095655.3), dbSNP rs890117253, ClinGen allele CA129983922.